The following is an entry in ClinVar:

NM_030957.4(ADAMTS10):c.1803T>C (p.Cys601=)

Gene: ADAMTS10 (ADAM metallopeptidase with thrombospondin type 1 motif 10; minus strand). Cytogenetic location: 19p13.2.
Variant type: single nucleotide variant.
Coding change: c.1803T>C on transcript NM_030957.4 (MANE Select); coding-DNA position 1803, T replaced by C.
Protein change: p.Cys601=; no amino-acid change (cysteine 601 retained).
Molecular consequence: synonymous variant. On other transcripts: missense variant (1).
Genome position (GRCh38, 1-based): chr19:8,589,986, A>G on the plus strand (T>C on the coding strand, the complement: ADAMTS10 is on the minus strand). VCF-style: chr19-8589986-A-G. GRCh37 (hg19) VCF-style: chr19-8654870-A-G.
Other names: p.Cys601=; c.275T>C, p.Val92Ala (NM_001282352.2); short protein forms V92A.
Identifiers: ClinVar variation 330599 (VCV000330599.17), dbSNP rs115093676, ClinGen allele CA9160344.

ClinVar aggregate classification (germline): Benign. Review status: criteria provided, multiple submitters, no conflicts (2 of 4 stars). 4 submissions from 4 submitters: Benign (4). Last evaluated 2026-02-01.

Conditions:
Weill-Marchesani syndrome. Also called: WM Syndrome; Mesodermal dysmorphodystrophy congenital. Identifiers: Orphanet 3449, MedGen C0265313, MONDO:0018096.

Allele frequency attached by ClinVar (database versions not stated): gnomAD exomes 0.00074 and 0.00167; ExAC 0.00220; ESP Exome Variant Server 0.00654; gnomAD 0.00725 and 0.00762; TOPMed 0.00744; 1000 Genomes Project 0.01098; 1000 Genomes Project 30x 0.01312.
gnomAD v4.1: 2,176 of 1,612,280 alleles (0.13%); highest among the groups gnomAD compares: African/African-American, 2.8%; 31 homozygotes.

Submissions (4):

Labcorp Genetics (formerly Invitae), Labcorp
Classification: Benign. Last evaluated: 2026-02-01. Review status: criteria provided, single submitter. Criteria: Invitae Variant Classification Sherloc (09022015). Collection method: clinical testing. Allele origin: germline.

Mayo Clinic Laboratories, Mayo Clinic
Classification: Benign. Last evaluated: 2023-04-26. Review status: criteria provided, single submitter. Criteria: ACMG Guidelines, 2015. Collection method: clinical testing. Allele origin: germline. Observed: 5 variant alleles.
Comment: BS1, BS2, BP4, BP7

Illumina Laboratory Services, Illumina
Classification: Benign for Weill-Marchesani syndrome. Last evaluated: 2018-01-13. Review status: criteria provided, single submitter. Criteria: ICSL Variant Classification Criteria 13 December 2019. Collection method: clinical testing. Allele origin: germline.
Comment: This variant was observed in the ICSL laboratory as part of a predisposition screen in an ostensibly healthy population. It had not been previously curated by ICSL or reported in the Human Gene Mutation Database (HGMD: prior to June 1st, 2018), and was therefore a candidate for classification through an automated scoring system. Utilizing variant allele frequency, disease prevalence and penetrance estimates, and inheritance mode, an automated score was calculated to assess if this variant is too frequent to cause the disease. Based on the score and internal cut-off values, a variant classified as benign is not then subjected to further curation. The score for this variant resulted in a classification of benign for this disease.

Breakthrough Genomics
Classification: Benign. Review status: criteria provided, single submitter. Criteria: ACMG Guidelines, 2015. Collection method: not provided. Allele origin: germline. Inheritance: Autosomal recessive inheritance. Affected: yes.